The following is an entry in ClinVar:

ClinVar aggregate classification (germline): Pathogenic (1 of 4 stars; one submission).

Submission:

Labcorp Genetics (formerly Invitae), Labcorp
Classification: Pathogenic. Last evaluated: 2022-08-19. Review status: criteria provided, single submitter. Criteria: Invitae Variant Classification Sherloc (09022015). Collection method: clinical testing. Allele origin: germline.
Comment: This missense change has been observed in individual(s) with pycnodysostosis (PMID: 17397052, 27558267). In at least one individual the data is consistent with being in trans (on the opposite chromosome) from a pathogenic variant. This variant is not present in population databases (gnomAD no frequency). This sequence change replaces glycine, which is neutral and non-polar, with serine, which is neutral and polar, at codon 194 of the CTSK protein (p.Gly194Ser). For these reasons, this variant has been classified as Pathogenic. Advanced modeling of protein sequence and biophysical properties (such as structural, functional, and spatial information, amino acid conservation, physicochemical variation, residue mobility, and thermodynamic stability) performed at Invitae indicates that this missense variant is expected to disrupt CTSK protein function.

Literature cited by the submitters: PubMed 17397052; PubMed 27558267.

NM_000396.4(CTSK):c.580G>A (p.Gly194Ser)

Gene: CTSK (cathepsin K; minus strand). Cytogenetic location: 1q21.3.
Variant type: single nucleotide variant.
Coding change: c.580G>A on transcript NM_000396.4 (MANE Select); coding-DNA position 580, G replaced by A.
Protein change: p.Gly194Ser; replaces glycine 194 with serine.
Molecular consequence: missense variant.
Genome position (GRCh38, 1-based): chr1:150,804,059, C>T on the plus strand (G>A on the coding strand, the complement: CTSK is on the minus strand). VCF-style: chr1-150804059-C-T. GRCh37 (hg19) VCF-style: chr1-150776535-C-T.
Other names: short protein forms G194S.
Identifiers: ClinVar variation 2202840 (VCV002202840.4), dbSNP rs2525173667, ClinGen allele CA342336408.